The following is an entry in ClinVar:

NC_000016.9:g.(?_142584)_(188266_?)del

Gene: NPRL3 (NPR3 like, GATOR1 complex subunit; minus strand). Cytogenetic location: 16p13.3.
Variant type: Deletion.
Identifiers: ClinVar variation 1076135 (VCV001076135.2).

ClinVar aggregate classification (germline): Pathogenic (1 of 4 stars; one submission).

Conditions:
Epilepsy, familial focal, with variable foci 3 (FFEVF3). Identifiers: MedGen C4310708, MONDO:0014925, OMIM 617118.

Submission:

Labcorp Genetics (formerly Invitae), Labcorp
Classification: Pathogenic for Epilepsy, familial focal, with variable foci 3. Last evaluated: 2020-07-30. Review status: criteria provided, single submitter. Criteria: Invitae Variant Classification Sherloc (09022015). Collection method: clinical testing. Allele origin: germline.
Comment: This variant is a gross deletion of the genomic region encompassing exon(s) 2-11 of the NPRL3 gene, which includes the initiator codon. The 5' end of this event is unknown as it extends beyond the assayed region for this gene and therefore may encompass additional genes. The 3' boundary is likely confined to intron 11 of the NPRL3 gene. This is expected to result in an absent or disrupted protein product. This variant has not been reported in the literature in individuals with NPRL3-related conditions. Loss-of-function variants in NPRL3 are known to be pathogenic (PMID: 26285051, 26505888). For these reasons, this variant has been classified as Pathogenic.

Literature cited by the submitters: PubMed 26285051; PubMed 26505888.